The following is an entry in ClinVar:

ClinVar aggregate classification (germline): Likely benign (1 of 4 stars; one submission).

Conditions:
PCSK5-related disorder. Also called: PCSK5-related condition.

gnomAD v4.1: 22 of 1,608,780 alleles (0.0014%); highest among the groups gnomAD compares: Admixed American, 0.035%; no homozygotes.

Submission:

PreventionGenetics, part of Exact Sciences
Classification: Likely benign for PCSK5-related condition. Last evaluated: 2025-08-30. Review status: criteria provided, single submitter. Criteria: ACMG Guidelines, 2015. Collection method: clinical testing. Allele origin: germline.
Comment: This variant is classified as likely benign based on ACMG/AMP sequence variant interpretation guidelines (Richards et al. 2015 PMID: 25741868, with internal and published modifications).

NM_001372043.1(PCSK5):c.5127G>A (p.Gly1709=)

Gene: PCSK5 (proprotein convertase subtilisin/kexin type 5; plus strand). Cytogenetic location: 9q21.13.
Variant type: single nucleotide variant.
Coding change: c.5127G>A on transcript NM_001372043.1 (MANE Select); coding-DNA position 5127, G replaced by A.
Protein change: p.Gly1709=; no amino-acid change (glycine 1709 retained).
Molecular consequence: synonymous variant.
Genome position (GRCh38, 1-based): chr9:76,354,092, G>A. VCF-style: chr9-76354092-G-A. GRCh37 (hg19) VCF-style: chr9-78969008-G-A.
Other names: c.5046G>A, p.Gly1682= (NM_001190482.2).
Identifiers: ClinVar variation 4979609 (VCV004979609.1).